The following is an entry in ClinVar:

ClinVar aggregate classification (germline): Conflicting classifications of pathogenicity. Review status: criteria provided, conflicting classifications (1 of 4 stars). 4 submissions from 4 submitters: Likely pathogenic (2); Uncertain significance (2). Last evaluated 2025-12-19.

Conditions:
Hypercalcemia, infantile, 2 (HCINF2). Identifiers: Orphanet 300547, MedGen C4310473, MONDO:0014851, OMIM 616963.
Fanconi renotubular syndrome 2 (FRTS2). Identifiers: MedGen C3150652, MONDO:0013247, OMIM 613388.
Hypophosphatemic nephrolithiasis/osteoporosis 1. Identifiers: Orphanet 244305, MedGen C2676786, MONDO:0012850, OMIM 612286.

gnomAD v4.1: 28 of 1,613,956 alleles (0.0017%); highest among the groups gnomAD compares: Non-Finnish European, 0.0023%; no homozygotes.

Submissions (4):

Labcorp Genetics (formerly Invitae), Labcorp
Classification: Uncertain significance. Last evaluated: 2025-12-19. Review status: criteria provided, single submitter. Criteria: Invitae Variant Classification Sherloc (09022015). Collection method: clinical testing. Allele origin: germline.
Comment: This sequence change creates a premature translational stop signal (p.Trp538*) in the SLC34A1 gene. While this is not anticipated to result in nonsense mediated decay, it is expected to disrupt the last 102 amino acid(s) of the SLC34A1 protein. This variant is present in population databases (rs750648561, gnomAD 0.002%). This premature translational stop signal has been observed in individual(s) with infantile hypercalcemia (PMID: 26047794). ClinVar contains an entry for this variant (Variation ID: 3592154). Experimental studies and prediction algorithms are not available or were not evaluated, and the functional significance of this variant is currently unknown. This variant disrupts a region of the SLC34A1 protein in which other variant(s) (p.Thr575Ile) have been observed in individuals with SLC34A1-related conditions (PMID: 28893421). This suggests that this is a clinically significant region of the protein, and that variants that disrupt it are likely to be disease-causing. In summary, the available evidence is currently insufficient to determine the role of this variant in disease. Therefore, it has been classified as a Variant of Uncertain Significance.

GeneDx
Classification: Uncertain significance. Last evaluated: 2025-07-14. Review status: criteria provided, single submitter. Criteria: GeneDx Variant Classification Process June 2021. Collection method: clinical testing. Allele origin: germline.
Comment: Nonsense variant predicted to result in protein truncation as the last 102 amino acid(s) are lost; Not observed at significant frequency in large population cohorts (gnomAD); This variant is associated with the following publications: (PMID: 34426522, 26047794)

Fulgent Genetics
Classification: Likely pathogenic for Hypophosphatemic nephrolithiasis/osteoporosis 1; Fanconi renotubular syndrome 2; Hypercalcemia, infantile, 2. Last evaluated: 2024-04-03. Review status: criteria provided, single submitter. Criteria: ACMG Guidelines, 2015. Collection method: clinical testing. Allele origin: germline.

Department of Pathology and Laboratory Medicine, Sinai Health System
Classification: Likely pathogenic for Hypercalcemia, infantile, 2. Last evaluated: 2023-09-25. Review status: criteria provided, single submitter. Criteria: ACMG Guidelines, 2015. Collection method: research. Allele origin: germline.

Literature cited by the submitters: PubMed 26047794 (cited by Labcorp Genetics (formerly Invitae), Labcorp); PubMed 28893421 (cited by Labcorp Genetics (formerly Invitae), Labcorp).

NM_003052.5(SLC34A1):c.1614G>A (p.Trp538Ter)

Gene: SLC34A1 (solute carrier family 34 member 1; plus strand). Cytogenetic location: 5q35.3.
Variant type: single nucleotide variant.
Coding change: c.1614G>A on transcript NM_003052.5 (MANE Select); coding-DNA position 1614, G replaced by A.
Protein change: p.Trp538Ter; replaces tryptophan 538 with a stop codon.
Molecular consequence: nonsense.
Genome position (GRCh38, 1-based): chr5:177,397,980, G>A. VCF-style: chr5-177397980-G-A. GRCh37 (hg19) VCF-style: chr5-176824981-G-A.
Other names: c.1614G>A (NM_003052.4); short protein forms W538*.
Identifiers: ClinVar variation 3592154 (VCV003592154.5).